The following is an entry in ClinVar:

NM_007194.4(CHEK2):c.853A>C (p.Ile285Leu)

Gene: CHEK2 (checkpoint kinase 2; minus strand). Cytogenetic location: 22q12.1.
Variant type: single nucleotide variant.
Coding change: c.853A>C on transcript NM_007194.4 (MANE Select); coding-DNA position 853, A replaced by C.
Protein change: p.Ile285Leu; replaces isoleucine 285 with leucine.
Molecular consequence: missense variant.
Genome position (GRCh38, 1-based): chr22:28,703,560, T>G on the plus strand (A>C on the coding strand, the complement: CHEK2 is on the minus strand). VCF-style: chr22-28703560-T-G. GRCh37 (hg19) VCF-style: chr22-29099548-T-G.
Other names: c.982A>C, p.Ile328Leu (NM_001005735.3, NM_001438294.1); c.190A>C, p.Ile64Leu (NM_001257387.3, NM_001437942.1); c.652A>C, p.Ile218Leu (NM_001349956.3); c.946A>C, p.Ile316Leu (NM_001438293.1, NM_001438295.1); c.853A>C, p.Ile285Leu (NM_145862.3); short protein forms I218L, I285L, I316L, I328L, I64L.
Identifiers: ClinVar variation 4868934 (VCV004868934.1).

ClinVar aggregate classification (germline): Uncertain significance (1 of 4 stars; one submission).

Conditions:
Hereditary cancer-predisposing syndrome. Also called: Neoplastic Syndromes, Hereditary; Tumor predisposition; Hereditary Cancer Syndrome; Hereditary neoplastic syndrome. Identifiers: Orphanet 140162, MedGen C0027672, MeSH D009386, MONDO:0015356.

Submission:

Ambry Genetics
Classification: Uncertain significance for Hereditary cancer-predisposing syndrome. Last evaluated: 2026-04-26. Review status: criteria provided, single submitter. Criteria: Ambry Variant Classification Scheme 2023. Collection method: clinical testing. Allele origin: germline.
Comment: The p.I285L variant (also known as c.853A>C), located in coding exon 7 of the CHEK2 gene, results from an A to C substitution at nucleotide position 853. The isoleucine at codon 285 is replaced by leucine, an amino acid with highly similar properties. This amino acid position is conserved. In addition, this alteration is predicted to be tolerated by in silico analysis. Based on the available evidence, the clinical significance of this variant remains unclear.